The following is an entry in ClinVar:

ClinVar aggregate classification (germline): Uncertain significance (1 of 4 stars; one submission).

Conditions:
Cardiovascular phenotype. Identifiers: MedGen CN230736.

Submission:

Ambry Genetics
Classification: Uncertain significance for Cardiovascular phenotype. Last evaluated: 2026-08-08. Review status: criteria provided, single submitter. Criteria: Ambry Variant Classification Scheme 2023. Collection method: clinical testing. Allele origin: germline.
Comment: The p.A951T variant (also known as c.2851G>A), located in coding exon 6 of the ALPK3 gene, results from a G to A substitution at nucleotide position 2851. The alanine at codon 951 is replaced by threonine, an amino acid with similar properties. This amino acid position is conserved. In addition, this alteration is predicted to be tolerated by in silico analysis. Based on the available evidence, the clinical significance of this variant remains unclear.

NM_020778.5(ALPK3):c.2245G>A (p.Ala749Thr)

Gene: ALPK3 (alpha kinase 3; plus strand). Cytogenetic location: 15q25.3.
Variant type: single nucleotide variant.
Coding change: c.2245G>A on transcript NM_020778.5 (MANE Select); coding-DNA position 2245, G replaced by A.
Protein change: p.Ala749Thr; replaces alanine 749 with threonine.
Molecular consequence: missense variant.
Genome position (GRCh38, 1-based): chr15:84,856,983, G>A. VCF-style: chr15-84856983-G-A. GRCh37 (hg19) VCF-style: chr15-85400214-G-A.
Other names: short protein forms A749T.
Identifiers: ClinVar variation 5036584 (VCV005036584.1).